The following is an entry in ClinVar:

NM_020937.4(FANCM):c.4163T>C (p.Leu1388Pro)

Gene: FANCM (FA complementation group M; plus strand). Cytogenetic location: 14q21.2.
Variant type: single nucleotide variant.
Coding change: c.4163T>C on transcript NM_020937.4 (MANE Select); coding-DNA position 4163, T replaced by C.
Protein change: p.Leu1388Pro; replaces leucine 1388 with proline.
Molecular consequence: missense variant.
Genome position (GRCh38, 1-based): chr14:45,176,917, T>C. VCF-style: chr14-45176917-T-C. GRCh37 (hg19) VCF-style: chr14-45646120-T-C.
Other names: c.4085T>C, p.Leu1362Pro (NM_001308133.2); short protein forms L1388P, L1362P.
Identifiers: ClinVar variation 3003114 (VCV003003114.3), dbSNP rs1191348660, ClinGen allele CA389604574.

ClinVar aggregate classification (germline): Uncertain significance (1 of 4 stars; one submission).

Conditions:
Fanconi anemia (FA). Also called: Fanconi's anemia. Identifiers: Orphanet 84, MedGen C0015625, MeSH D005199, MONDO:0019391.

Allele frequency attached by ClinVar (database versions not stated): gnomAD 0.00001.
gnomAD v4.1: 1 of 1,611,172 alleles (0.000062%); highest among the groups gnomAD compares: Non-Finnish European, 0.000085%; no homozygotes.

Submission:

Labcorp Genetics (formerly Invitae), Labcorp
Classification: Uncertain significance for Fanconi anemia. Last evaluated: 2023-08-25. Review status: criteria provided, single submitter. Criteria: Invitae Variant Classification Sherloc (09022015). Collection method: clinical testing. Allele origin: germline.
Comment: In summary, the available evidence is currently insufficient to determine the role of this variant in disease. Therefore, it has been classified as a Variant of Uncertain Significance. Algorithms developed to predict the effect of missense changes on protein structure and function output the following: SIFT: "Not Available"; PolyPhen-2: "Benign"; Align-GVGD: "Not Available". The proline amino acid residue is found in multiple mammalian species, which suggests that this missense change does not adversely affect protein function. This sequence change replaces leucine, which is neutral and non-polar, with proline, which is neutral and non-polar, at codon 1388 of the FANCM protein (p.Leu1388Pro). This variant is present in population databases (no rsID available, gnomAD 0.007%). This variant has not been reported in the literature in individuals affected with FANCM-related conditions.